The following is an entry in ClinVar:

NM_000361.3(THBD):c.791G>A (p.Arg264His)

Gene: THBD (thrombomodulin; minus strand). Cytogenetic location: 20p11.21.
Variant type: single nucleotide variant.
Coding change: c.791G>A on transcript NM_000361.3 (MANE Select); coding-DNA position 791, G replaced by A.
Protein change: p.Arg264His; replaces arginine 264 with histidine.
Molecular consequence: missense variant.
Genome position (GRCh38, 1-based): chr20:23,048,714, C>T on the plus strand (G>A on the coding strand, the complement: THBD is on the minus strand). VCF-style: chr20-23048714-C-T. GRCh37 (hg19) VCF-style: chr20-23029351-C-T.
Other names: c.791G>A (NM_000361.2); short protein forms R264H.
Identifiers: ClinVar variation 1405793 (VCV001405793.10), dbSNP rs1041830584, ClinGen allele CA313551603.
Genomic context (GRCh38, chr20:23,048,714, plus strand): 5'-GCGGATGCGGTGCAGGAGCGCCCGTCTGCCTGCAGGGCGGCGCCGGCTGGGCACTGGCAG[C>T]GGGGAGCCCCAGGGATCGCATTGCACGCGTGCTCGCAGCCGCCGTTCTCCACGCTGCAGT-3'
Protein context (NP_000352.1, residues 254-274): HACNAIPGAP[Arg264His]CQCPAGAALQ

ClinVar aggregate classification (germline): Uncertain significance. Review status: criteria provided, multiple submitters, no conflicts (2 of 4 stars). 2 submissions from 2 submitters: Uncertain significance (2). Last evaluated 2024-01-26.

Conditions:
Inborn genetic diseases. Identifiers: MedGen C0950123, MeSH D030342.

Allele frequency attached by ClinVar (database versions not stated): gnomAD 0.00001; gnomAD exomes 0.00001; TOPMed 0.00003.

Submissions (2):

Labcorp Genetics (formerly Invitae), Labcorp
Classification: Uncertain significance. Last evaluated: 2024-01-26. Review status: criteria provided, single submitter. Criteria: Invitae Variant Classification Sherloc (09022015). Collection method: clinical testing. Allele origin: germline.
Comment: This sequence change replaces arginine, which is basic and polar, with histidine, which is basic and polar, at codon 264 of the THBD protein (p.Arg264His). The frequency data for this variant in the population databases is considered unreliable, as metrics indicate poor data quality at this position in the gnomAD database. This variant has not been reported in the literature in individuals affected with THBD-related conditions. ClinVar contains an entry for this variant (Variation ID: 1405793). Advanced modeling of protein sequence and biophysical properties (such as structural, functional, and spatial information, amino acid conservation, physicochemical variation, residue mobility, and thermodynamic stability) performed at Invitae indicates that this missense variant is not expected to disrupt THBD protein function with a negative predictive value of 80%. In summary, the available evidence is currently insufficient to determine the role of this variant in disease. Therefore, it has been classified as a Variant of Uncertain Significance.

Ambry Genetics
Classification: Uncertain significance for Inborn genetic diseases. Last evaluated: 2021-09-30. Review status: criteria provided, single submitter. Criteria: Ambry Variant Classification Scheme 2023. Collection method: clinical testing. Allele origin: germline.